The following is an entry in ClinVar:

NM_001371623.1(TCOF1):c.1564G>A (p.Gly522Ser)

Gene: TCOF1 (treacle ribosome biogenesis factor 1; plus strand). Cytogenetic location: 5q32.
Variant type: single nucleotide variant.
Coding change: c.1564G>A on transcript NM_001371623.1 (MANE Select); coding-DNA position 1564, G replaced by A.
Protein change: p.Gly522Ser; replaces glycine 522 with serine.
Molecular consequence: missense variant.
Genome position (GRCh38, 1-based): chr5:150,375,414, G>A. VCF-style: chr5-150375414-G-A. GRCh37 (hg19) VCF-style: chr5-149754977-G-A.
Other names: c.1333G>A, p.Gly445Ser (NM_000356.4, NM_001135245.2); c.1564G>A, p.Gly522Ser (NM_001008657.3, NM_001135243.2, NM_001135244.2 and 1 more transcripts); short protein forms G445S, G522S.
Identifiers: ClinVar variation 2503319 (VCV002503319.4), dbSNP rs377510593, ClinGen allele CA3510920.
Genomic context (GRCh38, chr5:150,375,414, plus strand): 5'-AAAAGCCCCCAGGTGAAACCTGCCTCTACCATGGGCATGGGGCCCTTGGGGAAAGGCGCC[G>A]GCCCAGTGCCACCCGGGAAGGTGGGGCCTGCAACCCCCTCAGCCCAGGTGGGGAAGTGGG-3'
Protein context (NP_001358552.1, residues 512-532): MGMGPLGKGA[Gly522Ser]PVPPGKVGPA

ClinVar aggregate classification (germline): Uncertain significance. Review status: criteria provided, multiple submitters, no conflicts (2 of 4 stars). 3 submissions from 3 submitters: Uncertain significance (2). 1 of the submissions does not count toward it. Last evaluated 2025-12-11.

Conditions:
Inborn genetic diseases. Identifiers: MedGen C0950123, MeSH D030342.
TCOF1-related disorder. Also called: TCOF1-related condition.

Allele frequency attached by ClinVar (database versions not stated): gnomAD exomes 0.00005; ExAC 0.00002; gnomAD 0.00005; ESP Exome Variant Server 0.00008; TOPMed 0.00005.
gnomAD v4.1: 77 of 1,613,140 alleles (0.0048%); highest among the groups gnomAD compares: East Asian, 0.013%; no homozygotes.

Submissions (3):

Ambry Genetics
Classification: Uncertain significance for Inborn genetic diseases. Last evaluated: 2025-12-11. Review status: criteria provided, single submitter. Criteria: Ambry Variant Classification Scheme 2023. Collection method: clinical testing. Allele origin: germline.

GeneDx
Classification: Uncertain significance. Last evaluated: 2022-11-23. Review status: criteria provided, single submitter. Criteria: GeneDx Variant Classification Process June 2021. Collection method: clinical testing. Allele origin: germline. Affected: yes.
Comment: In silico analysis supports that this missense variant does not alter protein structure/function; Has not been previously published as pathogenic or benign to our knowledge

PreventionGenetics, part of Exact Sciences
Classification: Likely benign for TCOF1-related condition. Last evaluated: 2020-02-20. Review status: no assertion criteria provided. Collection method: clinical testing. Allele origin: germline. Not counted in ClinVar's aggregate classification.
Comment: This variant is classified as likely benign based on ACMG/AMP sequence variant interpretation guidelines (Richards et al. 2015 PMID: 25741868, with internal and published modifications).